The following is an entry in ClinVar:

NM_001098426.2(SMARCD2):c.287C>T (p.Pro96Leu)

Gene: SMARCD2 (SWI/SNF related BAF chromatin remodeling complex subunit D2; minus strand). Cytogenetic location: 17q23.3.
Variant type: single nucleotide variant.
Coding change: c.287C>T on transcript NM_001098426.2 (MANE Select); coding-DNA position 287, C replaced by T.
Protein change: p.Pro96Leu; replaces proline 96 with leucine.
Molecular consequence: missense variant.
Genome position (GRCh38, 1-based): chr17:63,837,555, G>A on the plus strand (C>T on the coding strand, the complement: SMARCD2 is on the minus strand). VCF-style: chr17-63837555-G-A. GRCh37 (hg19) VCF-style: chr17-61914915-G-A.
Other names: c.287C>T (NM_001098426.1); c.62C>T, p.Pro21Leu (NM_001330439.1); c.143C>T, p.Pro48Leu (NM_001330440.2); short protein forms P21L, P48L, P96L.
Identifiers: ClinVar variation 1420076 (VCV001420076.5), dbSNP rs765913102, ClinGen allele CA8706535.

ClinVar aggregate classification (germline): Uncertain significance. Review status: criteria provided, multiple submitters, no conflicts (2 of 4 stars). 3 submissions from 3 submitters: Uncertain significance (3). Last evaluated 2024-11-09.

Conditions:
Inborn genetic diseases. Identifiers: MedGen C0950123, MeSH D030342.

Allele frequency attached by ClinVar (database versions not stated): gnomAD 0.00001; gnomAD exomes 0.00002 and 0.00003; ExAC 0.00003; TOPMed 0.00005.
gnomAD v4.1: 40 of 1,611,974 alleles (0.0025%); highest among the groups gnomAD compares: South Asian, 0.012%; no homozygotes.

Submissions (3):

Ambry Genetics
Classification: Uncertain significance for Inborn genetic diseases. Last evaluated: 2024-11-09. Review status: criteria provided, single submitter. Criteria: Ambry Variant Classification Scheme 2023. Collection method: clinical testing. Allele origin: germline.

Blueprint Genetics
Classification: Uncertain significance. Last evaluated: 2024-09-02. Review status: criteria provided, single submitter. Criteria: ACMG Guidelines, 2015. Collection method: clinical testing. Allele origin: germline.

Labcorp Genetics (formerly Invitae), Labcorp
Classification: Uncertain significance. Last evaluated: 2022-08-31. Review status: criteria provided, single submitter. Criteria: Invitae Variant Classification Sherloc (09022015). Collection method: clinical testing. Allele origin: germline.
Comment: This sequence change replaces proline, which is neutral and non-polar, with leucine, which is neutral and non-polar, at codon 96 of the SMARCD2 protein (p.Pro96Leu). This variant is present in population databases (rs765913102, gnomAD 0.01%). This variant has not been reported in the literature in individuals affected with SMARCD2-related conditions. ClinVar contains an entry for this variant (Variation ID: 1420076). Algorithms developed to predict the effect of missense changes on protein structure and function are either unavailable or do not agree on the potential impact of this missense change (SIFT: "Deleterious"; PolyPhen-2: "Benign"; Align-GVGD: "Class C0"). In summary, the available evidence is currently insufficient to determine the role of this variant in disease. Therefore, it has been classified as a Variant of Uncertain Significance.